The following is an entry in ClinVar:

NM_001330311.2(DVL1):c.14A>G (p.Lys5Arg)

Gene: DVL1 (dishevelled segment polarity protein 1; minus strand). Cytogenetic location: 1p36.33.
Variant type: single nucleotide variant.
Coding change: c.14A>G on transcript NM_001330311.2 (MANE Select); coding-DNA position 14, A replaced by G.
Protein change: p.Lys5Arg; replaces lysine 5 with arginine.
Molecular consequence: missense variant.
Genome position (GRCh38, 1-based): chr1:1,349,052, T>C on the plus strand (A>G on the coding strand, the complement: DVL1 is on the minus strand). VCF-style: chr1-1349052-T-C. GRCh37 (hg19) VCF-style: chr1-1284432-T-C.
Other names: c.14A>G, p.Lys5Arg (NM_004421.3); short protein forms K5R.
Identifiers: ClinVar variation 3682258 (VCV003682258.2).

ClinVar aggregate classification (germline): Uncertain significance (1 of 4 stars; one submission).

Submission:

Labcorp Genetics (formerly Invitae), Labcorp
Classification: Uncertain significance. Last evaluated: 2024-10-07. Review status: criteria provided, single submitter. Criteria: Invitae Variant Classification Sherloc (09022015). Collection method: clinical testing. Allele origin: germline.
Comment: This sequence change replaces lysine, which is basic and polar, with arginine, which is basic and polar, at codon 5 of the DVL1 protein (p.Lys5Arg). The frequency data for this variant in the population databases is considered unreliable, as metrics indicate poor data quality at this position in the gnomAD database. This variant has not been reported in the literature in individuals affected with DVL1-related conditions. Invitae Evidence Modeling of protein sequence and biophysical properties (such as structural, functional, and spatial information, amino acid conservation, physicochemical variation, residue mobility, and thermodynamic stability) indicates that this missense variant is not expected to disrupt DVL1 protein function with a negative predictive value of 80%. In summary, the available evidence is currently insufficient to determine the role of this variant in disease. Therefore, it has been classified as a Variant of Uncertain Significance.